The following is an entry in ClinVar:

ClinVar aggregate classification (germline): Uncertain significance (1 of 4 stars; one submission).

Conditions:
SGSH-related disorder. Also called: SGSH-related condition.

gnomAD v4.1: 25 of 627,456 alleles (0.004%); highest among the groups gnomAD compares: African/African-American, 0.043%; no homozygotes.

Submission:

PreventionGenetics, part of Exact Sciences
Classification: Uncertain significance for SGSH-related condition. Last evaluated: 2024-10-13. Review status: criteria provided, single submitter. Criteria: ACMG Guidelines, 2015. Collection method: clinical testing. Allele origin: germline.
Comment: The SGSH c.997C>T variant is predicted to result in the amino acid substitution p.His333Tyr. To our knowledge, this variant has not been reported in the literature. This variant is reported in 0.048% of alleles in individuals of African descent in gnomAD. At this time, the clinical significance of this variant is uncertain due to the absence of conclusive functional and genetic evidence.

NM_000199.5(SGSH):c.949+195C>T

Gene: SGSH (N-sulfoglucosamine sulfohydrolase; minus strand). Cytogenetic location: 17q25.3.
Variant type: single nucleotide variant.
Coding change: c.949+195C>T on transcript NM_000199.5 (MANE Select); 195 bases into the intron after coding-DNA position 949, C replaced by T.
Molecular consequence: intron variant. On other transcripts: missense variant (1).
Genome position (GRCh38, 1-based): chr17:80,211,876, G>A on the plus strand (C>T on the coding strand, the complement: SGSH is on the minus strand). VCF-style: chr17-80211876-G-A. GRCh37 (hg19) VCF-style: chr17-78185675-G-A.
Other names: c.997C>T, p.His333Tyr (NM_001352922.2); c.949+195C>T (NM_001352921.3); short protein forms H333Y.
Identifiers: ClinVar variation 4989270 (VCV004989270.1).